The following is an entry in ClinVar:

NM_005915.6(MCM6):c.912G>A (p.Ala304=)

Gene: MCM6 (minichromosome maintenance complex component 6; minus strand). Cytogenetic location: 2q21.3.
Variant type: single nucleotide variant.
Coding change: c.912G>A on transcript NM_005915.6 (MANE Select); coding-DNA position 912, G replaced by A.
Protein change: p.Ala304=; no amino-acid change (alanine 304 retained).
Molecular consequence: synonymous variant.
Genome position (GRCh38, 1-based): chr2:135,866,147, C>T on the plus strand (G>A on the coding strand, the complement: MCM6 is on the minus strand). VCF-style: chr2-135866147-C-T. GRCh37 (hg19) VCF-style: chr2-136623717-C-T.
Identifiers: ClinVar variation 3059975 (VCV003059975.2), dbSNP rs3087353, ClinGen allele CA1889144.

ClinVar aggregate classification (germline): Benign (0 of 4 stars; one submission).

Conditions:
MCM6-related disorder. Also called: MCM6-related condition.

Allele frequency attached by ClinVar (database versions not stated): ESP Exome Variant Server 0.00085; gnomAD exomes 0.00607; gnomAD 0.00868; TOPMed 0.01200; ExAC 0.01699; 1000 Genomes Project 30x 0.03357; 1000 Genomes Project 0.03594.
gnomAD v4.1: 10,433 of 1,613,962 alleles (0.65%); highest among the groups gnomAD compares: East Asian, 16%; 689 homozygotes.

Submission:

PreventionGenetics, part of Exact Sciences
Classification: Benign for MCM6-related condition. Last evaluated: 2019-02-22. Review status: no assertion criteria provided. Collection method: clinical testing. Allele origin: germline.
Comment: This variant is classified as benign based on ACMG/AMP sequence variant interpretation guidelines (Richards et al. 2015 PMID: 25741868, with internal and published modifications).